The following is an entry in ClinVar:

NM_004393.6(DAG1):c.1882G>T (p.Ala628Ser)

Gene: DAG1 (dystroglycan 1; plus strand). Cytogenetic location: 3p21.31.
Variant type: single nucleotide variant.
Coding change: c.1882G>T on transcript NM_004393.6 (MANE Select); coding-DNA position 1882, G replaced by T.
Protein change: p.Ala628Ser; replaces alanine 628 with serine.
Molecular consequence: missense variant.
Genome position (GRCh38, 1-based): chr3:49,532,393, G>T. VCF-style: chr3-49532393-G-T. GRCh37 (hg19) VCF-style: chr3-49569826-G-T.
Other names: c.1882G>T, p.Ala628Ser (NM_001165928.4, NM_001177634.3, NM_001177635.3 and 9 more transcripts); short protein forms A628S.
Identifiers: ClinVar variation 2038012 (VCV002038012.4), dbSNP rs766618498, ClinGen allele CA2399166.

ClinVar aggregate classification (germline): Uncertain significance (1 of 4 stars; one submission).

Conditions:
Autosomal recessive limb-girdle muscular dystrophy type 2P. Also called: Limb-Girdle Muscular Dystrophy Type 9C; MUSCULAR DYSTROPHY, LIMB-GIRDLE, TYPE 2P; MUSCULAR DYSTROPHY-DYSTROGLYCANOPATHY, LIMB-GIRDLE, DAG1-RELATED. Identifiers: Orphanet 280333, MedGen C4511963, MONDO:0013440, OMIM 613818.
Muscular dystrophy-dystroglycanopathy (congenital with brain and eye anomalies), type A9. Also called: WALKER-WARBURG SYNDROME OR MUSCLE-EYE BRAIN DISEASE, DAG1-RELATED; Muscular dystrophy-dystroglycanopathy (congenital with brain and eye anomalies), type a, 9. Identifiers: Orphanet 370997, Orphanet 899, MedGen C4225291, MONDO:0014683, OMIM 616538.

Allele frequency attached by ClinVar (database versions not stated): gnomAD exomes below 0.00001; ExAC 0.00001; gnomAD 0.00001.
gnomAD v4.1: 3 of 1,614,188 alleles (0.00019%); highest among the groups gnomAD compares: Non-Finnish European, 0.00017%; no homozygotes.

Submission:

Labcorp Genetics (formerly Invitae), Labcorp
Classification: Uncertain significance for Autosomal recessive limb-girdle muscular dystrophy type 2P; Muscular dystrophy-dystroglycanopathy (congenital with brain and eye anomalies), type A9. Last evaluated: 2021-12-08. Review status: criteria provided, single submitter. Criteria: Invitae Variant Classification Sherloc (09022015). Collection method: clinical testing. Allele origin: germline.
Comment: This sequence change replaces alanine, which is neutral and non-polar, with serine, which is neutral and polar, at codon 628 of the DAG1 protein (p.Ala628Ser). This variant is present in population databases (rs766618498, gnomAD 0.0009%). This variant has not been reported in the literature in individuals affected with DAG1-related conditions. Algorithms developed to predict the effect of missense changes on protein structure and function output the following: SIFT: "Tolerated"; PolyPhen-2: "Benign"; Align-GVGD: "Class C0". The serine amino acid residue is found in multiple mammalian species, which suggests that this missense change does not adversely affect protein function. In summary, the available evidence is currently insufficient to determine the role of this variant in disease. Therefore, it has been classified as a Variant of Uncertain Significance.